The following is an entry in ClinVar:

NM_001797.4(CDH11):c.2073C>G (p.Ile691Met)

Gene: CDH11 (cadherin 11; minus strand). Cytogenetic location: 16q21.
Variant type: single nucleotide variant.
Coding change: c.2073C>G on transcript NM_001797.4 (MANE Select); coding-DNA position 2073, C replaced by G.
Protein change: p.Ile691Met; replaces isoleucine 691 with methionine.
Molecular consequence: missense variant. On other transcripts: 3 prime UTR variant (1).
Genome position (GRCh38, 1-based): chr16:64,947,921, G>C on the plus strand (C>G on the coding strand, the complement: CDH11 is on the minus strand). VCF-style: chr16-64947921-G-C. GRCh37 (hg19) VCF-style: chr16-64981824-G-C.
Other names: c.*170C>G (NM_001308392.2); c.1695C>G, p.Ile565Met (NM_001330576.2); c.2073C>G (NM_001797.3); short protein forms I565M, I691M.
Identifiers: ClinVar variation 3025636 (VCV003025636.23), dbSNP rs35145978, ClinGen allele CA8091870.

ClinVar aggregate classification (germline): Likely benign. Review status: criteria provided, single submitter (1 of 4 stars). 2 submissions from 2 submitters: Likely benign (1). 1 of the submissions does not count toward it. Last evaluated 2023-12-01.

Conditions:
CDH11-related disorder. Also called: CDH11-related condition.

Allele frequency attached by ClinVar (database versions not stated): ExAC 0.00071; 1000 Genomes Project 30x 0.00156; 1000 Genomes Project 0.00200; gnomAD 0.00241; TOPMed 0.00277; ESP Exome Variant Server 0.00284.
gnomAD v4.1: 663 of 1,614,116 alleles (0.041%); highest among the groups gnomAD compares: African/African-American, 0.76%; 1 homozygote.

Submissions (2):

CeGaT Center for Human Genetics Tuebingen
Classification: Likely benign. Last evaluated: 2023-12-01. Review status: criteria provided, single submitter. Criteria: CeGaT Center For Human Genetics Tuebingen Variant Classification Criteria Version 2. Collection method: clinical testing. Allele origin: germline. Affected: yes. Observed: 1 variant allele.
Comment: CDH11: BS2

PreventionGenetics, part of Exact Sciences
Classification: Benign for CDH11-related condition. Last evaluated: 2019-08-13. Review status: no assertion criteria provided. Collection method: clinical testing. Allele origin: germline. Not counted in ClinVar's aggregate classification.
Comment: This variant is classified as benign based on ACMG/AMP sequence variant interpretation guidelines (Richards et al. 2015 PMID: 25741868, with internal and published modifications).